The following is an entry in ClinVar:

NM_017617.5(NOTCH1):c.21_38del (p.Leu9_Leu14del)

Genes: NOTCH1 (notch receptor 1; minus strand), LOC130003020 (ATAC-STARR-seq lymphoblastoid silent region 20528; plus strand). Cytogenetic location: 9q34.3.
Variant type: Deletion.
Coding change: c.21_38del on transcript NM_017617.5 (MANE Select); coding-DNA positions 21 to 38, 18 bases deleted (CCTGCTCTGCCTGGCGCT).
Protein change: p.Leu9_Leu14del.
Molecular consequence: inframe deletion.
Genome position (GRCh38, 1-based): chr9:136,545,749-136,545,766, AGCGCCAGGCAGAGCAGG deleted on the plus strand (CCTGCTCTGCCTGGCGCT on the coding strand, the reverse complement: NOTCH1 is on the minus strand). VCF-style (leftmost placement, unchanged base first): chr9-136545748-CAGCGCCAGGCAGAGCAGG-C. GRCh37 (hg19) VCF-style: chr9-139440200-CAGCGCCAGGCAGAGCAGG-C.
Identifiers: ClinVar variation 4730005 (VCV004730005.1).
Genomic context (GRCh38, chr9:136,545,748, plus strand): 5'-CGCGGAAAGTGGGGGCTCGCGGGTGGGTGGGCGCCTACCTCGTGCGGCGAGCGCGGGCAG[CAGCGCCAGGCAGAGCAGG>C]GGCGCCAGGAGCGGCGGCATGCCTCCCCACCGGCTGCCCTCTGCGCCCGGGCGGCGGCCT-3'

ClinVar aggregate classification (germline): Uncertain significance (1 of 4 stars; one submission).

Conditions:
Adams-Oliver syndrome 5 (AOS5). Identifiers: Orphanet 974, MedGen C4014970, MONDO:0014459, OMIM 616028.

Submission:

Labcorp Genetics (formerly Invitae), Labcorp
Classification: Uncertain significance for Adams-Oliver syndrome 5. Last evaluated: 2025-10-27. Review status: criteria provided, single submitter. Criteria: Invitae Variant Classification Sherloc (09022015). Collection method: clinical testing. Allele origin: germline.
Comment: This variant, c.21_38del, results in the deletion of 6 amino acid(s) of the NOTCH1 protein (p.Leu9_Leu14del), but otherwise preserves the integrity of the reading frame. This variant is not present in population databases (gnomAD no frequency). This variant has not been reported in the literature in individuals affected with NOTCH1-related conditions. Experimental studies and prediction algorithms are not available or were not evaluated, and the functional significance of this variant is currently unknown. In summary, the available evidence is currently insufficient to determine the role of this variant in disease. Therefore, it has been classified as a Variant of Uncertain Significance.